The following is an entry in ClinVar:

NM_001458.5(FLNC):c.3313G>T (p.Ala1105Ser)

Gene: FLNC (filamin C; plus strand). Cytogenetic location: 7q32.1.
Variant type: single nucleotide variant.
Coding change: c.3313G>T on transcript NM_001458.5 (MANE Select); coding-DNA position 3313, G replaced by T.
Protein change: p.Ala1105Ser; replaces alanine 1105 with serine.
Molecular consequence: missense variant.
Genome position (GRCh38, 1-based): chr7:128,844,778, G>T. VCF-style: chr7-128844778-G-T. GRCh37 (hg19) VCF-style: chr7-128484832-G-T.
Other names: c.3313G>T (NM_001458.4); c.3313G>T, p.Ala1105Ser (NM_001127487.2); short protein forms A1105S.
Identifiers: ClinVar variation 1034548 (VCV001034548.8), dbSNP rs751887771, ClinGen allele CA4475016.
Genomic context (GRCh38, chr7:128,844,778, plus strand): 5'-ATCGACACCAAGGGGGCTGGCACAGGTGGCCTGGGGCTGACCGTAGAGGGCCCCTGCGAG[G>T]CCAAGATCGAGTGCCAGGACAATGGTGATGGCTCATGTGCTGTCAGCTACCTGCCCACGG-3'
Protein context (NP_001449.3, residues 1095-1115): LGLTVEGPCE[Ala1105Ser]KIECQDNGDG

ClinVar aggregate classification (germline): Uncertain significance. Review status: criteria provided, multiple submitters, no conflicts (2 of 4 stars). 2 submissions from 2 submitters: Uncertain significance (2). Last evaluated 2023-06-28.

Conditions:
Dilated Cardiomyopathy, Dominant.
Myofibrillar myopathy 5. Also called: Filaminopathy (type); FILAMINOPATHY, AUTOSOMAL DOMINANT. Identifiers: Orphanet 171445, MedGen C1836050, MONDO:0012289, OMIM 609524.
Hypertrophic cardiomyopathy 26. Also called: Cardiomyopathy, familial hypertrophic, 26. Identifiers: Orphanet 75249, MedGen C4310749, MONDO:0014883, OMIM 617047.
Distal myopathy with posterior leg and anterior hand involvement. Also called: WILLIAMS DISTAL MYOPATHY. Identifiers: Orphanet 63273, MedGen C3279722, MONDO:0013550, OMIM 614065.

Allele frequency attached by ClinVar (database versions not stated): TOPMed below 0.00001; gnomAD 0.00001; gnomAD exomes 0.00001; ExAC 0.00002.
gnomAD v4.1: 13 of 1,613,982 alleles (0.00081%); highest among the groups gnomAD compares: African/African-American, 0.0013%; no homozygotes.

Submissions (2):

Revvity Omics, Revvity
Classification: Uncertain significance. Last evaluated: 2023-06-28. Review status: criteria provided, single submitter. Criteria: ACMG Guidelines, 2015. Collection method: clinical testing. Allele origin: germline.

Labcorp Genetics (formerly Invitae), Labcorp
Classification: Uncertain significance for Distal myopathy with posterior leg and anterior hand involvement; Myofibrillar myopathy 5; Hypertrophic cardiomyopathy 26. Last evaluated: 2021-09-01. Review status: criteria provided, single submitter. Criteria: Invitae Variant Classification Sherloc (09022015). Collection method: clinical testing. Allele origin: germline.
Comment: This sequence change replaces alanine with serine at codon 1105 of the FLNC protein (p.Ala1105Ser). The alanine residue is moderately conserved and there is a moderate physicochemical difference between alanine and serine. This variant is present in population databases (rs751887771, ExAC 0.01%). This variant has not been reported in the literature in individuals affected with FLNC-related conditions. Algorithms developed to predict the effect of missense changes on protein structure and function are either unavailable or do not agree on the potential impact of this missense change (SIFT: "Deleterious"; PolyPhen-2: "Probably Damaging"; Align-GVGD: "Class C0"). In summary, the available evidence is currently insufficient to determine the role of this variant in disease. Therefore, it has been classified as a Variant of Uncertain Significance.